The following is an entry in ClinVar:

NM_007294.4(BRCA1):c.1573G>A (p.Val525Ile)

Gene: BRCA1 (BRCA1 DNA repair associated; minus strand). Cytogenetic location: 17q21.31.
Variant type: single nucleotide variant.
Coding change: c.1573G>A on transcript NM_007294.4 (MANE Select); coding-DNA position 1573, G replaced by A.
Protein change: p.Val525Ile; replaces valine 525 with isoleucine.
Molecular consequence: missense variant. On other transcripts: intron variant (137).
Genome position (GRCh38, 1-based): chr17:43,093,958, C>T on the plus strand (G>A on the coding strand, the complement: BRCA1 is on the minus strand). VCF-style: chr17-43093958-C-T. GRCh37 (hg19) VCF-style: chr17-41245975-C-T.
Other names: 1692G>A; c.1573G>A, p.Val525Ile (NM_001407621.1, NM_001407622.1, NM_001407623.1 and 30 more transcripts); c.1570G>A, p.Val524Ile (NM_001407627.1, NM_001407628.1, NM_001407629.1 and 22 more transcripts); c.1564G>A, p.Val522Ile (NM_001407646.1, NM_001407647.1); c.1450G>A, p.Val484Ile (NM_001407648.1, NM_001407664.1, NM_001407665.1 and 19 more transcripts); c.1447G>A, p.Val483Ile (NM_001407649.1, NM_001407670.1, NM_001407671.1 and 11 more transcripts); c.1495G>A, p.Val499Ile (NM_001407653.1, NM_001407654.1, NM_001407655.1 and 4 more transcripts); c.1492G>A, p.Val498Ile (NM_001407659.1, NM_001407660.1, NM_001407661.1 and 1 more transcripts); and 41 more; short protein forms V525I, V478I, V229I, V499I, V397I, V455I, V458I, V522I.
Identifiers: ClinVar variation 54298 (VCV000054298.41), dbSNP rs80357273, ClinGen allele CA001053.
Genomic context (GRCh38, chr17:43,093,958, plus strand): 5'-CTTGACCATTCTGCTCCGTTTGGTTAGTTCCCTGATTTATCATTTCAGGAGTCTTTTGAA[C>T]TGCCAAATCTGCTTTCTTGATAAAATCCTCAGGATGAAGGCCTGATGTAGGTCTCCTTTT-3'
Protein context (NP_009225.1, residues 515-535): EDFIKKADLA[Val525Ile]QKTPEMINQG

ClinVar aggregate classification (germline): Conflicting classifications of pathogenicity. Review status: criteria provided, conflicting classifications (1 of 4 stars). 15 submissions from 15 submitters: Uncertain significance (3); Likely benign (9). 3 of the submissions do not count toward it. Last evaluated 2026-08-16.

Conditions:
BRCA1-related disorder. Also called: BRCA1-related condition.
Breast and/or ovarian cancer. Identifiers: MedGen CN221562.
Hereditary cancer-predisposing syndrome. Also called: Tumor predisposition; Neoplastic Syndromes, Hereditary; Hereditary Cancer Syndrome; Hereditary neoplastic syndrome. Identifiers: Orphanet 140162, MedGen C0027672, MeSH D009386, MONDO:0015356.
Hereditary breast ovarian cancer syndrome. Also called: Hereditary breast and ovarian cancer syndrome (HBOC); Hereditary breast and ovarian cancer syndrome; Hereditary breast and ovarian cancer; Hereditary breast and/or ovarian cancer syndrome; Breast and ovarian cancer; BRCA1- and BRCA2-Associated Hereditary Breast and Ovarian Cancer. Identifiers: Orphanet 145, MedGen C0677776, MeSH D061325, MONDO:0003582. Disease mechanism: loss of function.
Breast-ovarian cancer, familial, susceptibility to, 1 (BROVCA1). Also called: OVARIAN CANCER, SUSCEPTIBILITY TO; BRCA1 Hereditary Breast and Ovarian Cancer. Identifiers: Orphanet 145, MedGen C2676676, MONDO:0011450, OMIM 604370. Disease mechanism: loss of function.
Familial cancer of breast. Also called: Hereditary breast cancer; hereditary breast carcinoma; BREAST CANCER, FAMILIAL. Identifiers: Orphanet 227535, MedGen C0346153, MONDO:0016419, OMIM 114480. Disease mechanism: loss of function.

Allele frequency attached by ClinVar (database versions not stated): gnomAD 0.00003; TOPMed 0.00005; ESP Exome Variant Server 0.00008; ExAC 0.00001; gnomAD exomes 0.00001.
gnomAD v4.1: 14 of 1,613,566 alleles (0.00087%); highest among the groups gnomAD compares: African/African-American, 0.016%; no homozygotes.

Submissions (15):

PreventionGenetics, part of Exact Sciences
Classification: Likely benign for BRCA1-related condition. Last evaluated: 2026-08-16. Review status: criteria provided, single submitter. Criteria: ACMG Guidelines, 2015. Collection method: clinical testing. Allele origin: germline.
Comment: This variant is classified as likely benign based on ACMG/AMP sequence variant interpretation guidelines (Richards et al. 2015 PMID: 25741868, with internal and published modifications).

Labcorp Genetics (formerly Invitae), Labcorp
Classification: Likely benign for Hereditary breast ovarian cancer syndrome. Last evaluated: 2026-02-03. Review status: criteria provided, single submitter. Criteria: Invitae Variant Classification Sherloc (09022015). Collection method: clinical testing. Allele origin: germline.

Women's Health and Genetics/Laboratory Corporation of America, LabCorp
Classification: Likely benign. Last evaluated: 2025-05-01. Review status: criteria provided, single submitter. Criteria: LabCorp Variant Classification Summary - May 2015. Collection method: clinical testing. Allele origin: germline.
Comment: Variant summary: BRCA1 c.1573G>A (p.Val525Ile) results in a conservative amino acid change in the encoded protein sequence. Five of five in-silico tools predict a benign effect of the variant on protein function consistent with its presence in a coldspot region where missense variants are very unlikely to be pathogenic (PMID:31911673). The variant allele was found at a frequency of 1.2e-05 in 250234 control chromosomes. The available data on variant occurrences in the general population are insufficient to allow any conclusion about variant significance. c.1573G>A has been reported in the literature as a VUS in individuals affected with Hereditary Breast and Ovarian Cancer and pancreatic cancer (example, Solano_2013, Shindo_2017, Hauke_2020). These report(s) do not provide unequivocal conclusions about association of the variant with Hereditary Breast And Ovarian Cancer Syndrome. To our knowledge, no experimental evidence demonstrating an impact on protein function has been reported. The following publications have been ascertained in the context of this evaluation (PMID: 28767289, 23961350,33273034). ClinVar contains an entry for this variant (Variation ID: 54298). Based on the evidence outlined above, the variant was classified as likely benign.

Center for Genomic Medicine, Rigshospitalet, Copenhagen University Hospital
Classification: Likely benign. Last evaluated: 2025-03-04. Review status: criteria provided, single submitter. Criteria: ACMG Guidelines, 2015. Collection method: clinical testing. Allele origin: germline.

Color Diagnostics, LLC DBA Color Health
Classification: Likely benign for Hereditary cancer-predisposing syndrome. Last evaluated: 2024-09-17. Review status: criteria provided, single submitter. Criteria: ACMG Guidelines, 2015. Collection method: clinical testing. Allele origin: germline.

Quest Diagnostics Nichols Institute San Juan Capistrano
Classification: Uncertain significance. Last evaluated: 2023-12-14. Review status: criteria provided, single submitter. Criteria: Quest Diagnostics criteria. Collection method: clinical testing. Allele origin: unknown.
Comment: The BRCA1 c.1573G>A (p.Val525Ile) variant has been reported in an individual with breast and/or ovarian cancer (PMID: 23961350 (2012)). In addition, this variant is reported to be located in region of the BRCA1 gene that is tolerant to missense sequence changes (PMID: 31911673 (2020)). The frequency of this variant in the general population, 0.0002 (5/24928 chromosomes in African/African American subpopulation (Genome Aggregation Database)), is higher than would generally be expected for pathogenic variants in this gene. Analysis of this variant using bioinformatics tools (i.e., MutationTaster and PolyPhen-2) for the prediction of the effect of amino acid changes on protein structure and function yielded predictions that this variant is benign. Based on the available information, we are unable to determine the clinical significance of this variant.

All of Us Research Program, National Institutes of Health
Classification: Likely benign for Breast-ovarian cancer, familial, susceptibility to, 1. Last evaluated: 2023-11-02. Review status: criteria provided, single submitter. Criteria: ACMG Guidelines, 2015. Collection method: clinical testing. Allele origin: germline. Inheritance: Autosomal dominant inheritance. Observed: 2 variant alleles, 2 heterozygotes.
Comment: This study involves interpretation of variants in research participants for the purpose of population health screening. Participant phenotype was not available at the time of variant classification. Additional details can be found in publication PMID: 35346344, PMCID: PMC8962531

CHEO Genetics Diagnostic Laboratory, Children's Hospital of Eastern Ontario
Classification: Uncertain significance for Breast and/or ovarian cancer. Last evaluated: 2023-06-12. Review status: criteria provided, single submitter. Criteria: ACMG Guidelines, 2015. Collection method: clinical testing. Allele origin: germline.

University of Washington Department of Laboratory Medicine, University of Washington
Classification: Likely benign for Hereditary cancer-predisposing syndrome. Last evaluated: 2023-03-23. Review status: criteria provided, single submitter. Criteria: Dines et al. (Genet Med. 2020). Collection method: curation. Allele origin: germline.
Comment: Missense variant in a coldspot region where missense variants are very unlikely to be pathogenic (PMID:31911673).

BRCA1 coldspot (exon 11 using historical exon numbering). Reclassification based on statistical prior probability

Genetics and Molecular Pathology, SA Pathology
Classification: Uncertain significance for Familial cancer of breast. Last evaluated: 2020-08-11. Review status: criteria provided, single submitter. Criteria: ACMG Guidelines, 2015. Collection method: clinical testing. Allele origin: germline. Affected: yes.

GeneDx
Classification: Likely benign. Last evaluated: 2019-09-18. Review status: criteria provided, single submitter. Criteria: GeneDx Variant Classification Process June 2021. Collection method: clinical testing. Allele origin: germline. Affected: yes.
Comment: This variant is associated with the following publications: (PMID: 23961350, 29309945, 28767289)

Ambry Genetics
Classification: Likely benign for Hereditary cancer-predisposing syndrome. Last evaluated: 2019-01-30. Review status: criteria provided, single submitter. Criteria: Ambry Variant Classification Scheme 2023. Collection method: clinical testing. Allele origin: germline.

Sharing Clinical Reports Project (SCRP)
Classification: Likely benign for Breast-ovarian cancer, familial 1. Last evaluated: 2009-06-18. Review status: no assertion criteria provided. Collection method: clinical testing. Allele origin: germline. Not counted in ClinVar's aggregate classification.

Breast Cancer Information Core (BIC) (BRCA1)
Classification: Uncertain significance for Breast-ovarian cancer, familial 1. Last evaluated: 2006-07-19. Review status: no assertion criteria provided. Collection method: clinical testing. Allele origin: germline. Affected: yes. Observed: 1 variant allele. Not counted in ClinVar's aggregate classification.

Department of Pathology and Laboratory Medicine, Sinai Health System
Classification: Likely benign. Review status: no assertion criteria provided. Collection method: clinical testing. Allele origin: unknown. Affected: yes. Study: The Canadian Open Genetics Repository (COGR). Not counted in ClinVar's aggregate classification.
Comment: The BRCA1 p.Val525Ile variant was identified by Solano (2012) in an individual referred for testing due to early onset of breast or ovarian cancer or a family history of breast or ovarian cancer. The variant was also identified in dbSNP (ID: rs80357273) the BIC database (1X with unknown clinical importance), and UMD (1X as an unclassified variant). The variant was classified as likely benign by the Sharing Clinical Reports Project (SCRP) (submitted within the ClinVar database and derived from Myriad reports). The p.Val525 residue is not conserved in mammals and the variant amino acid isoleucine (Ile) is present in chicken, increasing the likelihood that this variant does not have clinical significance. Computational analyses (PolyPhen-2, SIFT, AlignGVGD, BLOSUM, MutationTaster) do not suggest a high likelihood of impact to the protein. In summary, based on the above information, the clinical significance of this variant cannot be determined with certainty at this time although we would lean towards a more benign role for this variant. This variant is classified as predicted benign.

Literature cited by the submitters: PubMed 23961350 (cited by 3 submitters); PubMed 28767289 (cited by Women's Health and Genetics/Laboratory Corporation of America, LabCorp and Quest Diagnostics Nichols Institute San Juan Capistrano); PubMed 33273034 (cited by Women's Health and Genetics/Laboratory Corporation of America, LabCorp); PubMed 31911673 (cited by Quest Diagnostics Nichols Institute San Juan Capistrano).